The following is an entry in ClinVar:

ClinVar aggregate classification (germline): Uncertain significance (1 of 4 stars; one submission).

Conditions:
Distal myopathy with posterior leg and anterior hand involvement. Also called: WILLIAMS DISTAL MYOPATHY. Identifiers: Orphanet 63273, MedGen C3279722, MONDO:0013550, OMIM 614065.
Hypertrophic cardiomyopathy 26. Also called: Cardiomyopathy, familial hypertrophic, 26. Identifiers: Orphanet 75249, MedGen C4310749, MONDO:0014883, OMIM 617047.
Dilated Cardiomyopathy, Dominant.
Myofibrillar myopathy 5. Also called: Filaminopathy (type); FILAMINOPATHY, AUTOSOMAL DOMINANT. Identifiers: Orphanet 171445, MedGen C1836050, MONDO:0012289, OMIM 609524.

Submission:

Labcorp Genetics (formerly Invitae), Labcorp
Classification: Uncertain significance for Distal myopathy with posterior leg and anterior hand involvement; Myofibrillar myopathy 5; Hypertrophic cardiomyopathy 26. Last evaluated: 2024-11-03. Review status: criteria provided, single submitter. Criteria: Invitae Variant Classification Sherloc (09022015). Collection method: clinical testing. Allele origin: germline.
Comment: This sequence change replaces phenylalanine, which is neutral and non-polar, with leucine, which is neutral and non-polar, at codon 354 of the FLNC protein (p.Phe354Leu). This variant is not present in population databases (gnomAD no frequency). This variant has not been reported in the literature in individuals affected with FLNC-related conditions. Invitae Evidence Modeling of protein sequence and biophysical properties (such as structural, functional, and spatial information, amino acid conservation, physicochemical variation, residue mobility, and thermodynamic stability) has been performed for this missense variant. However, the output from this modeling did not meet the statistical confidence thresholds required to predict the impact of this variant on FLNC protein function. In summary, the available evidence is currently insufficient to determine the role of this variant in disease. Therefore, it has been classified as a Variant of Uncertain Significance.

NM_001458.5(FLNC):c.1062T>G (p.Phe354Leu)

Gene: FLNC (filamin C; plus strand). Cytogenetic location: 7q32.1.
Variant type: single nucleotide variant.
Coding change: c.1062T>G on transcript NM_001458.5 (MANE Select); coding-DNA position 1062, T replaced by G.
Protein change: p.Phe354Leu; replaces phenylalanine 354 with leucine.
Molecular consequence: missense variant.
Genome position (GRCh38, 1-based): chr7:128,838,281, T>G. VCF-style: chr7-128838281-T-G. GRCh37 (hg19) VCF-style: chr7-128478335-T-G.
Other names: c.1062T>G, p.Phe354Leu (NM_001127487.2); short protein forms F354L.
Identifiers: ClinVar variation 3752192 (VCV003752192.1).
Genomic context (GRCh38, chr7:128,838,281, plus strand): 5'-AGGACTGCTCTCCCCTAGAAGCTAACCTTTGACCTCTGACCCCTAGGTGACCGTGCTCTT[T>G]GCTGGCCAGAACATTGAACGCAGTCCCTTTGAGGTGAACGTGGGCATGGCCCTGGGAGAT-3'
Protein context (NP_001449.3, residues 344-364): VAGLHKVTVL[Phe354Leu]AGQNIERSPF